The following is an entry in ClinVar:

NM_004237.4(TRIP13):c.907G>A (p.Glu303Lys)

Gene: TRIP13 (thyroid hormone receptor interactor 13; plus strand). Cytogenetic location: 5p15.33.
Variant type: single nucleotide variant.
Coding change: c.907G>A on transcript NM_004237.4 (MANE Select); coding-DNA position 907, G replaced by A.
Protein change: p.Glu303Lys; replaces glutamic acid 303 with lysine.
Molecular consequence: missense variant.
Genome position (GRCh38, 1-based): chr5:911,883, G>A. VCF-style: chr5-911883-G-A. GRCh37 (hg19) VCF-style: chr5-911998-G-A.
Other names: short protein forms E303K.
Identifiers: ClinVar variation 977643 (VCV000977643.4), dbSNP rs772834014, ClinGen allele CA3180026.

ClinVar aggregate classification (germline): Uncertain significance. Review status: criteria provided, single submitter (1 of 4 stars). 2 submissions from 2 submitters: Uncertain significance (1). 1 of the submissions does not count toward it. Last evaluated 2024-09-12.

Conditions:
Oocyte maturation defect 9. Also called: OOCYTE/ZYGOTE/EMBRYO MATURATION ARREST 9. Identifiers: MedGen C5436599, MONDO:0033565, OMIM 619011.

Allele frequency attached by ClinVar (database versions not stated): gnomAD 0.00001; ExAC 0.00002; gnomAD exomes 0.00002; TOPMed 0.00002.

Submissions (2):

Labcorp Genetics (formerly Invitae), Labcorp
Classification: Uncertain significance. Last evaluated: 2024-09-12. Review status: criteria provided, single submitter. Criteria: Invitae Variant Classification Sherloc (09022015). Collection method: clinical testing. Allele origin: germline.
Comment: This sequence change replaces glutamic acid, which is acidic and polar, with lysine, which is basic and polar, at codon 303 of the TRIP13 protein (p.Glu303Lys). This variant is present in population databases (rs772834014, gnomAD 0.004%). This missense change has been observed in individual(s) with autosomal recessive female infertility (PMID: 32473092). ClinVar contains an entry for this variant (Variation ID: 977643). An algorithm developed to predict the effect of missense changes on protein structure and function (PolyPhen-2) suggests that this variant is likely to be tolerated. Experimental studies have shown that this missense change affects TRIP13 function (PMID: 32473092). In summary, the available evidence is currently insufficient to determine the role of this variant in disease. Therefore, it has been classified as a Variant of Uncertain Significance.

OMIM
Classification: Pathogenic for OOCYTE/ZYGOTE/EMBRYO MATURATION ARREST 9. Last evaluated: 2023-04-10. Review status: no assertion criteria provided. Collection method: literature only. Allele origin: germline. Not counted in ClinVar's aggregate classification.

Literature cited by the submitters: PubMed 32473092 (cited by Labcorp Genetics (formerly Invitae), Labcorp and OMIM).